The following is an entry in ClinVar:

ClinVar aggregate classification (germline): Uncertain significance. Review status: reviewed by expert panel (3 of 4 stars). 12 submissions from 12 submitters: Uncertain significance (1). 11 of the submissions do not count toward it. Last evaluated 2025-08-01.

Conditions:
RYR1-related disorder. Also called: RYR1-related disorders; RYR1-related condition. Identifiers: MedGen CN239331.
Congenital multicore myopathy with external ophthalmoplegia (CMYO1B). Also called: MULTICORE MYOPATHY; Minicore myopathy with external ophthalmoplegia; Congenital myopathy 1B, autosomal recessive; Minicore myopathy; MULTIMINICORE DISEASE WITH EXTERNAL OPHTHALMOPLEGIA. Identifiers: Orphanet 598, Orphanet 98905, MedGen C1850674, MONDO:0009712, OMIM 255320, HP:0003789.
King Denborough syndrome (KDS). Identifiers: MedGen C1840365, MONDO:0020485, OMIM 619542.
Central core myopathy (CMYO1A). Also called: Central core disease; Myopathy, central fibrillar; CONGENITAL MYOPATHY 1A, AUTOSOMAL DOMINANT, WITH SUSCEPTIBILITY TO MALIGNANT HYPERTHERMIA. Identifiers: Orphanet 597, MedGen C5830701, MONDO:0007294, OMIM 117000.
Malignant hyperthermia, susceptibility to, 1 (MHS1). Also called: RYR1-Related Malignant Hyperthermia Susceptibility; Malignant hyperthermia suceptibility 1; Anesthesia related hyperthermia; Malignant hyperpyrexia; Fulminating hyperpyrexia; Pharmacogenic myopathy. Identifiers: Orphanet 423, MedGen C2930980, MONDO:0007783, OMIM 145600.

Allele frequency attached by ClinVar (database versions not stated): gnomAD 0.00003; TOPMed 0.00003; ExAC 0.00004; 1000 Genomes Project 30x 0.00031; gnomAD exomes 0.00005; ESP Exome Variant Server 0.00008; 1000 Genomes Project 0.00020.
gnomAD v4.1: 63 of 1,601,198 alleles (0.0039%); highest among the groups gnomAD compares: Admixed American, 0.01%; no homozygotes.

Submissions (12):

ClinGen Malignant Hyperthermia Susceptibility Variant Curation Expert Panel, ClinGen
Classification: Uncertain significance for Malignant hyperthermia, susceptibility to, 1. Last evaluated: 2025-08-01. Review status: reviewed by expert panel. Criteria: RYR1-MHS Interpretation Guidelines V2. Collection method: curation. Allele origin: germline. Inheritance: Autosomal dominant inheritance.
Comment: This pathogenicity assessment is relevant only for malignant hyperthermia susceptibility (MHS) inherited in an autosomal dominant pattern. Variants in RYR1 can also cause other myopathies inherited in an autosomal dominant pattern or in an autosomal recessive pattern. Some of these disorders may predispose individuals to malignant hyperthermia. RYR1 variants may also contribute to a malignant hyperthermia reaction in combination with other genetic and non-genetic factors and the clinician needs to consider such factors in making management decisions. This sequence variant predicts a substitution of alanine with threonine at codon 2367 of the RYR1 protein, p.(Ala2367Thr). The maximum allele frequency for this variant among the six major gnomAD populations is NFE: 0.0000559, a frequency consistent with pathogenicity for MHS. This variant has been reported in two unrelated individuals who have a personal or family history of a malignant hyperthermia reaction, both of these individuals had a positive in vitro contracture test (IVCT) or caffeine halothane contracture test (CHCT) result (if the proband was unavailable for testing, a positive diagnostic test result in a mutation-positive relative was counted), PS4_Moderate (PMID:11575529, The UK (Leeds) MH Unit). No functional studies were identified for this variant. This variant resides in a region of RYR1 considered to be a hotspot for pathogenic variants that contribute to MHS, PM1 (PMID: 21118704). A REVEL score >0.85 (0.899) supports a pathogenic status for this variant, PP3_Moderate. This variant has been classified as a Variant of Unknown Significance. Criteria implemented: PS4_Supporting, PM1, PP3_Moderate.

Labcorp Genetics (formerly Invitae), Labcorp
Classification: Likely pathogenic for RYR1-related disorder. Last evaluated: 2025-11-04. Review status: criteria provided, single submitter. Criteria: Invitae Variant Classification Sherloc (09022015). Collection method: clinical testing. Allele origin: germline. Not counted in ClinVar's aggregate classification.
Comment: This sequence change replaces alanine, which is neutral and non-polar, with threonine, which is neutral and polar, at codon 2367 of the RYR1 protein (p.Ala2367Thr). This variant is present in population databases (rs146306934, gnomAD 0.01%). This missense change has been observed in individuals with autosomal dominant malignant hyperthermia susceptibility (PMID: 11575529; internal data). ClinVar contains an entry for this variant (Variation ID: 133187). Invitae Evidence Modeling of protein sequence and biophysical properties (such as structural, functional, and spatial information, amino acid conservation, physicochemical variation, residue mobility, and thermodynamic stability) indicates that this missense variant is expected to disrupt RYR1 protein function with a positive predictive value of 80%. In summary, the currently available evidence indicates that the variant is pathogenic, but additional data are needed to prove that conclusively. Therefore, this variant has been classified as Likely Pathogenic.

Greenwood Genetic Center Diagnostic Laboratories, Greenwood Genetic Center
Classification: Uncertain significance. Last evaluated: 2025-04-15. Review status: criteria provided, single submitter. Criteria: ACMG Guidelines, 2015. Collection method: clinical testing. Allele origin: germline. Affected: yes. Not counted in ClinVar's aggregate classification.
Comment: PP2, PP3

Molecular Genetics, Royal Melbourne Hospital
Classification: Uncertain significance for Malignant hyperthermia, susceptibility to, 1. Last evaluated: 2024-12-06. Review status: criteria provided, single submitter. Criteria: ACMG Guidelines, 2015. Collection method: clinical testing. Allele origin: germline. Inheritance: Autosomal dominant inheritance. Not counted in ClinVar's aggregate classification.
Comment: This sequence change in RYR1 is predicted to replace alanine with threonine at codon 2367, p.(Ala2367Thr). The alanine residue is highly conserved (100 vertebrates, Multiz Alignments), and is located in exon 44 in the cytoplasmic RIH domain in the central region (amino acids 2,101-2,458) malignant hyperthermia susceptibility (MHS) mutational hotspot. There is a small physicochemical difference between alanine and threonine. The highest population minor allele frequency in the population database gnomAD v4.1 is 0.01% (6/59,928 alleles) in the Admixed American population. This variant has been detected in at least two individuals with MHS and one individual with a phenotype consistent with RYR1-related myopathy (PMID: 15448513; ClinVar: SCV002047603.3, SCV001224218.5). Computational evidence predicts a deleterious effect for the missense substitution (REVEL = 0.899) and predicts no impact on splicing (SpliceAI) for the nucleotide change. This variant is classified as a variant of uncertain significance by the ClinGen Malignant Hyperthermia Susceptibility Variant Curation Expert Panel (ClinVar: 133187). Based on the classification scheme RMH Modified ACMG/AMP Guidelines v1.7.1, this variant is classified as a VARIANT OF UNCERTAIN SIGNIFICANCE. Following criteria are met: PM1, PP3_Moderate.

Fulgent Genetics
Classification: Uncertain significance for Central core myopathy; Malignant hyperthermia, susceptibility to, 1; Congenital multicore myopathy with external ophthalmoplegia; King Denborough syndrome. Last evaluated: 2024-05-06. Review status: criteria provided, single submitter. Criteria: ACMG Guidelines, 2015. Collection method: clinical testing. Allele origin: germline. Not counted in ClinVar's aggregate classification.

All of Us Research Program, National Institutes of Health
Classification: Uncertain significance for Malignant hyperthermia, susceptibility to, 1. Last evaluated: 2024-04-17. Review status: criteria provided, single submitter. Criteria: ACMG Guidelines, 2015. Collection method: clinical testing. Allele origin: germline. Inheritance: Autosomal dominant inheritance. Observed: 18 variant alleles, 18 heterozygotes. Not counted in ClinVar's aggregate classification.
Comment: This missense variant replaces alanine with threonine at codon 2367 of the RYR1 protein. Computational prediction suggests that this variant may have deleterious impact on protein structure and function (internally defined REVEL score threshold >= 0.7, PMID: 27666373). Although functional studies have not been reported for this variant, it occurs in a region of RYR1 considered to be a hotspot for pathogenic variants that contribute to malignant hyperthermia susceptibility (PMID: 21118704). This variant has been reported in at least one individual affected with a malignant hyperthermia reaction with a positive caffeine halothane contracture test (CHCT) (PMID: 11575529, 15448513). This variant has not been identified in the general population by the Genome Aggregation Database (gnomAD). The available evidence is insufficient to determine the role of this variant in disease conclusively. Therefore, this variant is classified as a Variant of Uncertain Significance.

This study involves interpretation of variants in research participants for the purpose of population health screening. Participant phenotype was not available at the time of variant classification. Additional details can be found in publication PMID: 35346344, PMCID: PMC8962531

Revvity Omics, Revvity
Classification: Uncertain significance. Last evaluated: 2024-03-05. Review status: criteria provided, single submitter. Criteria: ACMG Guidelines, 2015. Collection method: clinical testing. Allele origin: germline. Not counted in ClinVar's aggregate classification.

Color Diagnostics, LLC DBA Color Health
Classification: Uncertain significance for Malignant hyperthermia, susceptibility to, 1. Last evaluated: 2024-02-03. Review status: criteria provided, single submitter. Criteria: ACMG Guidelines, 2015. Collection method: clinical testing. Allele origin: germline. Not counted in ClinVar's aggregate classification.
Comment: This missense variant replaces alanine with threonine at codon 2367 of the RYR1 protein. Computational prediction suggests that this variant may have deleterious impact on protein structure and function. Although functional studies have not been reported for this variant, it occurs in a region of RYR1 considered to be a hotspot for pathogenic variants that contribute to malignant hyperthermia susceptibility (PMID: 21118704). This variant has been reported in at least one individual affected with a malignant hyperthermia reaction with a positive caffeine halothane contracture test (PMID: 11575529, 15448513). This variant has not been identified in the general population by the Genome Aggregation Database (gnomAD). The available evidence is insufficient to determine the role of this variant in disease conclusively. Therefore, this variant is classified as a Variant of Uncertain Significance.

Department of Pathology and Laboratory Medicine, Sinai Health System
Classification: Uncertain significance for Congenital multicore myopathy with external ophthalmoplegia; Central core myopathy; King Denborough syndrome; Malignant hyperthermia, susceptibility to, 1. Last evaluated: 2022-10-11. Review status: criteria provided, single submitter. Criteria: ACMG Guidelines, 2015. Collection method: research. Allele origin: germline. Not counted in ClinVar's aggregate classification.

PreventionGenetics, part of Exact Sciences
Classification: Uncertain significance. Last evaluated: 2021-02-22. Review status: criteria provided, single submitter. Criteria: ACMG Guidelines, 2015. Collection method: clinical testing. Allele origin: germline. Not counted in ClinVar's aggregate classification.

CSER _CC_NCGL, University of Washington
Classification: Uncertain significance for Malignant hyperthermia. Last evaluated: 2014-06-01. Review status: no assertion criteria provided. Collection method: research. Allele origin: germline. Inheritance: Autosomal dominant inheritance. Study: ESP 6500 variant annotation. Not counted in ClinVar's aggregate classification.
Comment: Variants classified for the Actionable exomic incidental findings in 6503 participants: challenges of variant classification manuscript

RYR1 database
No classification provided. Review status: no classification provided. Collection method: not provided. Allele origin: unknown. Not counted in ClinVar's aggregate classification.

Literature cited by the submitters: PubMed 11575529 (cited by 3 submitters); PubMed 15448513 (cited by 3 submitters); PubMed 21118704 (cited by All of Us Research Program, National Institutes of Health and Color Diagnostics, LLC DBA Color Health).

NM_000540.3(RYR1):c.7099G>A (p.Ala2367Thr)

Gene: RYR1 (ryanodine receptor 1; plus strand). Cytogenetic location: 19q13.2.
Variant type: single nucleotide variant.
Coding change: c.7099G>A on transcript NM_000540.3 (MANE Select); coding-DNA position 7099, G replaced by A.
Protein change: p.Ala2367Thr; replaces alanine 2367 with threonine.
Molecular consequence: missense variant.
Genome position (GRCh38, 1-based): chr19:38,499,706, G>A. VCF-style: chr19-38499706-G-A. GRCh37 (hg19) VCF-style: chr19-38990346-G-A.
Other names: NM_000540.2(RYR1):c.7099G>A; c.7099G>A, p.Ala2367Thr (NM_001042723.2); short protein forms A2367T.
Identifiers: ClinVar variation 133187 (VCV000133187.26), dbSNP rs146306934, ClinGen allele CA024711.
Genomic context (GRCh38, chr19:38,499,706, plus strand): 5'-GAGGAGAACGCCAATGTGGTGGTGCGGCTGCTCATCCGGAAGCCTGAGTGCTTCGGACCC[G>A]CCCTGCGGGGTGAGGGTGGCTCAGGGCTGCTGGCTGCCATCGAAGAGGCCATCCGCATCT-3'
Protein context (NP_000531.2, residues 2357-2377): LIRKPECFGP[Ala2367Thr]LRGEGGSGLL